The following is an entry in ClinVar:

ClinVar aggregate classification (germline): Uncertain significance. Review status: criteria provided, single submitter (1 of 4 stars). 2 submissions from 2 submitters: Uncertain significance (1). 1 of the submissions does not count toward it. Last evaluated 2024-02-23.

Conditions:
Kabuki syndrome. Also called: Kabuki make-up syndrome; NIIKAWA-KUROKI SYNDROME. Identifiers: Orphanet 2322, MedGen C0796004, MONDO:0016512.
Kabuki syndrome 1 (KABUK1). Also called: KMT2D-Related Kabuki Syndrome. Identifiers: Orphanet 2322, MedGen CN030661, MONDO:0007843, OMIM 147920.

Allele frequency attached by ClinVar (database versions not stated): gnomAD 0.00001.
gnomAD v4.1: 1 of 1,613,824 alleles (0.000062%); highest among the groups gnomAD compares: East Asian, 0.0022%; no homozygotes.

Submissions (2):

Labcorp Genetics (formerly Invitae), Labcorp
Classification: Uncertain significance for Kabuki syndrome. Last evaluated: 2024-02-23. Review status: criteria provided, single submitter. Criteria: Invitae Variant Classification Sherloc (09022015). Collection method: clinical testing. Allele origin: germline.
Comment: This sequence change replaces glycine, which is neutral and non-polar, with arginine, which is basic and polar, at codon 5182 of the KMT2D protein (p.Gly5182Arg). This variant is not present in population databases (gnomAD no frequency). This variant has not been reported in the literature in individuals affected with KMT2D-related conditions. ClinVar contains an entry for this variant (Variation ID: 981766). Advanced modeling of protein sequence and biophysical properties (such as structural, functional, and spatial information, amino acid conservation, physicochemical variation, residue mobility, and thermodynamic stability) performed at Invitae indicates that this missense variant is not expected to disrupt KMT2D protein function with a negative predictive value of 95%. In summary, the available evidence is currently insufficient to determine the role of this variant in disease. Therefore, it has been classified as a Variant of Uncertain Significance.

Autoinflammatory diseases unit, CHU de Montpellier
Classification: Likely pathogenic for Kabuki syndrome 1. Last evaluated: 2017-04-07. Review status: no assertion criteria provided. Collection method: clinical testing. Allele origin: unknown. Affected: yes. Not counted in ClinVar's aggregate classification.

NM_003482.4(KMT2D):c.15544G>C (p.Gly5182Arg)

Gene: KMT2D (lysine methyltransferase 2D; minus strand). Cytogenetic location: 12q13.12.
Variant type: single nucleotide variant.
Coding change: c.15544G>C on transcript NM_003482.4 (MANE Select); coding-DNA position 15544, G replaced by C.
Protein change: p.Gly5182Arg; replaces glycine 5182 with arginine.
Molecular consequence: missense variant.
Genome position (GRCh38, 1-based): chr12:49,026,422, C>G on the plus strand (G>C on the coding strand, the complement: KMT2D is on the minus strand). VCF-style: chr12-49026422-C-G. GRCh37 (hg19) VCF-style: chr12-49420205-C-G.
Other names: short protein forms G5182R.
Identifiers: ClinVar variation 981766 (VCV000981766.5), dbSNP rs1942591901, ClinGen allele CA384687026.